The following is an entry in ClinVar:

NM_020964.3(EPG5):c.7558-5T>C

Gene: EPG5 (ectopic P-granules 5 autophagy tethering factor; minus strand). Cytogenetic location: 18q12.3.
Variant type: single nucleotide variant.
Coding change: c.7558-5T>C on transcript NM_020964.3 (MANE Select); 5 bases into the intron before coding-DNA position 7558, T replaced by C.
Molecular consequence: intron variant.
Genome position (GRCh38, 1-based): chr18:45,852,654, A>G on the plus strand (T>C on the coding strand, the complement: EPG5 is on the minus strand). VCF-style: chr18-45852654-A-G. GRCh37 (hg19) VCF-style: chr18-43432619-A-G.
Identifiers: ClinVar variation 1943689 (VCV001943689.4), dbSNP rs1320449268, ClinGen allele CA779734181.
Genomic context (GRCh38, chr18:45,852,654, plus strand): 5'-TCCTGGTATTCAACATACTGCTTACTTGATGCCATGGATTCAAGAGCATTCAGAGCCTAA[A>G]AGACACGGAAGATGAGAGGGTTAACTCCATAGAGGCACATAATGTGACTGCCAGAGGTAC-3'

ClinVar aggregate classification (germline): Uncertain significance (1 of 4 stars; one submission).

Conditions:
Vici syndrome (VICIS). Identifiers: Orphanet 1493, MedGen C1855772, MONDO:0009452, OMIM 242840.

Allele frequency attached by ClinVar (database versions not stated): gnomAD 0.00001; TOPMed 0.00001.
gnomAD v4.1: 1 of 1,613,256 alleles (0.000062%); highest among the groups gnomAD compares: Non-Finnish European, 0.000085%; no homozygotes.

Submission:

Labcorp Genetics (formerly Invitae), Labcorp
Classification: Uncertain significance for Vici syndrome. Last evaluated: 2022-04-18. Review status: criteria provided, single submitter. Criteria: Invitae Variant Classification Sherloc (09022015). Collection method: clinical testing. Allele origin: germline.
Comment: In summary, the available evidence is currently insufficient to determine the role of this variant in disease. Therefore, it has been classified as a Variant of Uncertain Significance. Algorithms developed to predict the effect of sequence changes on RNA splicing suggest that this variant may disrupt the consensus splice site. This variant has not been reported in the literature in individuals affected with EPG5-related conditions. This variant is not present in population databases (gnomAD no frequency). This sequence change falls in intron 43 of the EPG5 gene. It does not directly change the encoded amino acid sequence of the EPG5 protein.